The following is an entry in ClinVar:

NM_004444.5(EPHB4):c.637C>T (p.Arg213Trp)

Gene: EPHB4 (EPH receptor B4; minus strand). Cytogenetic location: 7q22.1.
Variant type: single nucleotide variant.
Coding change: c.637C>T on transcript NM_004444.5 (MANE Select); coding-DNA position 637, C replaced by T.
Protein change: p.Arg213Trp; replaces arginine 213 with tryptophan.
Molecular consequence: missense variant.
Genome position (GRCh38, 1-based): chr7:100,822,442, G>A on the plus strand (C>T on the coding strand, the complement: EPHB4 is on the minus strand). VCF-style: chr7-100822442-G-A. GRCh37 (hg19) VCF-style: chr7-100420064-G-A.
Other names: short protein forms R213W.
Identifiers: ClinVar variation 3509389 (VCV003509389.1).

ClinVar aggregate classification (germline): Uncertain significance (1 of 4 stars; one submission).

Conditions:
Cardiovascular phenotype. Identifiers: MedGen CN230736.

gnomAD v4.1: 13 of 1,604,178 alleles (0.00081%); highest among the groups gnomAD compares: Admixed American, 0.0017%; no homozygotes.

Submission:

Ambry Genetics
Classification: Uncertain significance for Cardiovascular phenotype. Last evaluated: 2024-08-31. Review status: criteria provided, single submitter. Criteria: Ambry Variant Classification Scheme 2023. Collection method: clinical testing. Allele origin: germline.
Comment: The p.R213W variant (also known as c.637C>T), located in coding exon 4 of the EPHB4 gene, results from a C to T substitution at nucleotide position 637. The arginine at codon 213 is replaced by tryptophan, an amino acid with dissimilar properties. This amino acid position is conserved. In addition, this alteration is predicted to be tolerated by in silico analysis. Based on the available evidence, the clinical significance of this variant remains unclear.